The following is an entry in ClinVar:

NM_004393.6(DAG1):c.2536A>C (p.Thr846Pro)

Gene: DAG1 (dystroglycan 1; plus strand). Cytogenetic location: 3p21.31.
Variant type: single nucleotide variant.
Coding change: c.2536A>C on transcript NM_004393.6 (MANE Select); coding-DNA position 2536, A replaced by C.
Protein change: p.Thr846Pro; replaces threonine 846 with proline.
Molecular consequence: missense variant.
Genome position (GRCh38, 1-based): chr3:49,533,047, A>C. VCF-style: chr3-49533047-A-C. GRCh37 (hg19) VCF-style: chr3-49570480-A-C.
Other names: c.2536A>C (NM_004393.4); c.2536A>C, p.Thr846Pro (NM_001165928.4, NM_001177634.3, NM_001177635.3 and 9 more transcripts); short protein forms T846P.
Identifiers: ClinVar variation 644419 (VCV000644419.6), dbSNP rs775365808, ClinGen allele CA2399281.

ClinVar aggregate classification (germline): Uncertain significance. Review status: criteria provided, multiple submitters, no conflicts (2 of 4 stars). 3 submissions from 3 submitters: Uncertain significance (3). Last evaluated 2025-08-10.

Conditions:
Autosomal recessive limb-girdle muscular dystrophy type 2P. Also called: MUSCULAR DYSTROPHY-DYSTROGLYCANOPATHY, LIMB-GIRDLE, DAG1-RELATED; Limb-Girdle Muscular Dystrophy Type 9C; MUSCULAR DYSTROPHY, LIMB-GIRDLE, TYPE 2P. Identifiers: Orphanet 280333, MedGen C4511963, MONDO:0013440, OMIM 613818.
Muscular dystrophy-dystroglycanopathy (congenital with brain and eye anomalies), type A9. Also called: Muscular dystrophy-dystroglycanopathy (congenital with brain and eye anomalies), type a, 9; WALKER-WARBURG SYNDROME OR MUSCLE-EYE BRAIN DISEASE, DAG1-RELATED. Identifiers: Orphanet 370997, Orphanet 899, MedGen C4225291, MONDO:0014683, OMIM 616538.
Inborn genetic diseases. Identifiers: MedGen C0950123, MeSH D030342.

Allele frequency attached by ClinVar (database versions not stated): ExAC 0.00002; TOPMed 0.00002; gnomAD 0.00003; gnomAD exomes 0.00003.
gnomAD v4.1: 45 of 1,613,930 alleles (0.0028%); highest among the groups gnomAD compares: Non-Finnish European, 0.0034%; 1 homozygote.

Submissions (3):

Ambry Genetics
Classification: Uncertain significance for Inborn genetic diseases. Last evaluated: 2025-08-10. Review status: criteria provided, single submitter. Criteria: Ambry Variant Classification Scheme 2023. Collection method: clinical testing. Allele origin: germline.

Revvity Omics, Revvity
Classification: Uncertain significance. Last evaluated: 2023-10-09. Review status: criteria provided, single submitter. Criteria: ACMG Guidelines, 2015. Collection method: clinical testing. Allele origin: germline.

Labcorp Genetics (formerly Invitae), Labcorp
Classification: Uncertain significance for Autosomal recessive limb-girdle muscular dystrophy type 2P; Muscular dystrophy-dystroglycanopathy (congenital with brain and eye anomalies), type A9. Last evaluated: 2021-08-31. Review status: criteria provided, single submitter. Criteria: Invitae Variant Classification Sherloc (09022015). Collection method: clinical testing. Allele origin: germline.
Comment: This sequence change replaces threonine with proline at codon 846 of the DAG1 protein (p.Thr846Pro). The threonine residue is moderately conserved and there is a small physicochemical difference between threonine and proline. This variant is present in population databases (rs775365808, ExAC 0.005%). This variant has not been reported in the literature in individuals affected with DAG1-related conditions. Algorithms developed to predict the effect of missense changes on protein structure and function are either unavailable or do not agree on the potential impact of this missense change (SIFT: "Tolerated"; PolyPhen-2: "Possibly Damaging"; Align-GVGD: "Class C0"). In summary, the available evidence is currently insufficient to determine the role of this variant in disease. Therefore, it has been classified as a Variant of Uncertain Significance.